The following is an entry in ClinVar:

ClinVar aggregate classification (germline): Uncertain significance (1 of 4 stars; one submission).

Conditions:
Cardiovascular phenotype. Identifiers: MedGen CN230736.

Submission:

Ambry Genetics
Classification: Uncertain significance for Cardiovascular phenotype. Last evaluated: 2021-12-23. Review status: criteria provided, single submitter. Criteria: Ambry Variant Classification Scheme 2023. Collection method: clinical testing. Allele origin: germline.
Comment: The p.A265T variant (also known as c.793G>A), located in coding exon 9 of the ACTN2 gene, results from a G to A substitution at nucleotide position 793. The alanine at codon 265 is replaced by threonine, an amino acid with similar properties. This amino acid position is conserved. In addition, this alteration is predicted to be deleterious by in silico analysis. Since supporting evidence is limited at this time, the clinical significance of this alteration remains unclear.

NM_001103.4(ACTN2):c.793G>A (p.Ala265Thr)

Gene: ACTN2 (actinin alpha 2; plus strand). Cytogenetic location: 1q43.
Variant type: single nucleotide variant.
Coding change: c.793G>A on transcript NM_001103.4 (MANE Select); coding-DNA position 793, G replaced by A.
Protein change: p.Ala265Thr; replaces alanine 265 with threonine.
Molecular consequence: missense variant.
Genome position (GRCh38, 1-based): chr1:236,737,131, G>A. VCF-style: chr1-236737131-G-A. GRCh37 (hg19) VCF-style: chr1-236900431-G-A.
Other names: c.793G>A, p.Ala265Thr (NM_001278343.2); c.169G>A, p.Ala57Thr (NM_001278344.2); c.43G>A, p.Ala15Thr (NM_001412150.1); short protein forms A265T, A15T, A57T.
Identifiers: ClinVar variation 1761317 (VCV001761317.2), dbSNP rs2527591841, ClinGen allele CA345378785.